The following is an entry in ClinVar:

ClinVar aggregate classification (germline): Uncertain significance (1 of 4 stars; one submission).

Submission:

CeGaT Center for Human Genetics Tuebingen
Classification: Uncertain significance. Last evaluated: 2023-01-01. Review status: criteria provided, single submitter. Criteria: CeGaT Center For Human Genetics Tuebingen Variant Classification Criteria Version 2. Collection method: clinical testing. Allele origin: germline. Affected: yes. Observed: 1 variant allele.
Comment: SHANK3: PM2, PP2

NM_001372044.2(SHANK3):c.4901C>T (p.Ala1634Val)

Gene: SHANK3 (SH3 and multiple ankyrin repeat domains 3; plus strand). Cytogenetic location: 22q13.33.
Variant type: single nucleotide variant.
Coding change: c.4901C>T on transcript NM_001372044.2 (MANE Select); coding-DNA position 4901, C replaced by T.
Protein change: p.Ala1634Val; replaces alanine 1634 with valine.
Molecular consequence: missense variant.
Genome position (GRCh38, 1-based): chr22:50,730,792, C>T. VCF-style: chr22-50730792-C-T. GRCh37 (hg19) VCF-style: chr22-51169220-C-T.
Other names: c.4676C>T, p.Ala1559Val (NM_033517.1); short protein forms A1559V, A1634V.
Identifiers: ClinVar variation 2653429 (VCV002653429.24), dbSNP rs2518438876, ClinGen allele CA515266479.